The following is an entry in ClinVar:

NM_003024.3(ITSN1):c.761T>C (p.Leu254Ser)

Gene: ITSN1 (intersectin 1; plus strand). Cytogenetic location: 21q22.11.
Variant type: single nucleotide variant.
Coding change: c.761T>C on transcript NM_003024.3 (MANE Select); coding-DNA position 761, T replaced by C.
Protein change: p.Leu254Ser; replaces leucine 254 with serine.
Molecular consequence: missense variant.
Genome position (GRCh38, 1-based): chr21:33,761,959, T>C. VCF-style: chr21-33761959-T-C. GRCh37 (hg19) VCF-style: chr21-35134263-T-C.
Other names: c.761T>C, p.Leu254Ser (NM_001001132.2, NM_001331008.2, NM_001331009.2 and 2 more transcripts); c.650T>C, p.Leu217Ser (NM_001331012.2); short protein forms L217S, L254S.
Identifiers: ClinVar variation 3343083 (VCV003343083.2).

ClinVar aggregate classification (germline): Uncertain significance (1 of 4 stars; one submission).

Submission:

GeneDx
Classification: Uncertain significance. Last evaluated: 2026-07-19. Review status: criteria provided, single submitter. Criteria: GeneDx Variant Classification Process June 2021. Collection method: clinical testing. Allele origin: germline.
Comment: Not observed at significant frequency in large population cohorts (gnomAD); In silico analysis supports that this missense variant has a deleterious effect on protein structure/function; Has not been previously published as pathogenic or benign to our knowledge